The following continues an entry in ClinVar:

NM_000059.4(BRCA2):c.778_779del (p.Glu260fs)

Gene: BRCA2. ClinVar aggregate classification (germline): Pathogenic. Pathogenic (1).

Submissions 9 to 13 of 13:

Women's Health and Genetics/Laboratory Corporation of America, LabCorp
Classification: Pathogenic for Hereditary breast and ovarian cancer syndrome. Last evaluated: 2020-08-17. Review status: criteria provided, single submitter. Criteria: LabCorp Variant Classification Summary - May 2015. Collection method: clinical testing. Allele origin: germline. Not counted in ClinVar's aggregate classification.
Comment: Variant summary: BRCA2 c.778_779delGA (p.Glu260SerfsX15) results in a premature termination codon, predicted to cause a truncation of the encoded protein or absence of the protein due to nonsense mediated decay, which are commonly known mechanisms for disease. Truncations downstream of this position have been classified as pathogenic by our laboratory. The variant was absent in 250522 control chromosomes. c.778_779delGA has been reported in the literature in multiple individuals affected with Hereditary Breast And Ovarian Cancer Syndrome (example, Phelan_1996, Pritzlaff_2017, Susswein_2016, Rebbeck_2018). These data indicate that the variant is very likely to be associated with disease. Six clinical diagnostic laboratories and one expert panel (ENIGMA) have submitted clinical-significance assessments for this variant to ClinVar after 2014 without evidence for independent evaluation. All submitters classified the variant as pathogenic. Based on the evidence outlined above, the variant was classified as pathogenic.

Color Diagnostics, LLC DBA Color Health
Classification: Pathogenic for Hereditary cancer-predisposing syndrome. Last evaluated: 2020-06-12. Review status: criteria provided, single submitter. Criteria: ACMG Guidelines, 2015. Collection method: clinical testing. Allele origin: germline. Not counted in ClinVar's aggregate classification.
Comment: This variant deletes 2 nucleotides in exon 9 of the BRCA2 gene, creating a frameshift and premature translation stop signal. This variant is expected to result in an absent or non-functional protein product. To our knowledge, functional studies have not been reported for this variant. This variant has been reported in individuals affected with male and female breast cancer, endometrial cancer and pancreatic cancer (PMID: 8673090, 26681312, 28008555, 30274973). This variant has not been identified in the general population by the Genome Aggregation Database (gnomAD). Loss of BRCA2 function is a known mechanism of disease. Based on the available evidence, this variant is classified as Pathogenic.

Consortium of Investigators of Modifiers of BRCA1/2 (CIMBA), c/o University of Cambridge
Classification: Pathogenic for Breast-ovarian cancer, familial, susceptibility to, 2. Last evaluated: 2015-10-02. Review status: criteria provided, single submitter. Criteria: CIMBA Mutation Classification guidelines May 2016. Collection method: clinical testing. Allele origin: germline. Not counted in ClinVar's aggregate classification.

Sharing Clinical Reports Project (SCRP)
Classification: Pathogenic for Breast-ovarian cancer, familial 2. Last evaluated: 2010-12-06. Review status: no assertion criteria provided. Collection method: clinical testing. Allele origin: germline. Not counted in ClinVar's aggregate classification.

Breast Cancer Information Core (BIC) (BRCA2)
Classification: Pathogenic for Breast-ovarian cancer, familial 2. Last evaluated: 2004-02-20. Review status: no assertion criteria provided. Collection method: clinical testing. Allele origin: germline. Affected: yes. Observed: 10 variant alleles. Not counted in ClinVar's aggregate classification.

Literature cited by the submitters: PubMed 20104584 (cited by Labcorp Genetics (formerly Invitae), Labcorp); PubMed 8673090 (cited by 4 submitters); PubMed 26681312 (cited by 4 submitters); PubMed 28008555 (cited by 4 submitters); PubMed 28678401 (cited by Ambry Genetics and Quest Diagnostics Nichols Institute San Juan Capistrano); PubMed 29446198 (cited by 3 submitters); PubMed 30274973 (cited by Ambry Genetics and Quest Diagnostics Nichols Institute San Juan Capistrano); PubMed 33471991 (cited by Ambry Genetics); PubMed 32614418 (cited by Quest Diagnostics Nichols Institute San Juan Capistrano and All of Us Research Program, National Institutes of Health); PubMed 26295337 (cited by Quest Diagnostics Nichols Institute San Juan Capistrano); PubMed 8988179 (cited by All of Us Research Program, National Institutes of Health); PubMed 11897832 (cited by All of Us Research Program, National Institutes of Health).